The following is an entry in ClinVar:

ClinVar aggregate classification (germline): Uncertain significance (1 of 4 stars; one submission).

Submission:

Labcorp Genetics (formerly Invitae), Labcorp
Classification: Uncertain significance. Last evaluated: 2025-11-03. Review status: criteria provided, single submitter. Criteria: Invitae Variant Classification Sherloc (09022015). Collection method: clinical testing. Allele origin: germline.
Comment: This sequence change replaces isoleucine, which is neutral and non-polar, with phenylalanine, which is neutral and non-polar, at codon 210 of the CD81 protein (p.Ile210Phe). This variant is not present in population databases (gnomAD no frequency). This variant has not been reported in the literature in individuals affected with CD81-related conditions. An algorithm developed to predict the effect of missense changes on protein structure and function (PolyPhen-2) suggests that this variant is likely to be disruptive. In summary, the available evidence is currently insufficient to determine the role of this variant in disease. Therefore, it has been classified as a Variant of Uncertain Significance.

NM_004356.4(CD81):c.628A>T (p.Ile210Phe)

Gene: CD81 (CD81 molecule; plus strand). Cytogenetic location: 11p15.5.
Variant type: single nucleotide variant.
Coding change: c.628A>T on transcript NM_004356.4 (MANE Select); coding-DNA position 628, A replaced by T.
Protein change: p.Ile210Phe; replaces isoleucine 210 with phenylalanine.
Molecular consequence: missense variant.
Genome position (GRCh38, 1-based): chr11:2,396,694, A>T. VCF-style: chr11-2396694-A-T. GRCh37 (hg19) VCF-style: chr11-2417924-A-T.
Other names: c.415A>T, p.Ile139Phe (NM_001297649.2, NM_001425129.1, NM_001425130.1 and 3 more transcripts); c.751A>T, p.Ile251Phe (NM_001425135.1); c.625A>T, p.Ile209Phe (NM_001425137.1); c.412A>T, p.Ile138Phe (NM_001425138.1); short protein forms I138F, I139F, I209F, I210F, I251F.
Identifiers: ClinVar variation 4730361 (VCV004730361.1).
Genomic context (GRCh38, chr11:2,396,694, plus strand): 5'-TGCCACCAGAAGATCGATGACCTCTTCTCCGGGAAGCTGTACCTCATCGGCATTGCTGCC[A>T]TCGTGGTCGCTGTGATCATGGTGAGCGGGCGGGGGCGGAGGGCCTGCTCTCTGGGCTGCC-3'
Protein context (NP_004347.1, residues 200-220): GKLYLIGIAA[Ile210Phe]VVAVIMIFEM